The following is an entry in ClinVar:

NM_203486.3(DLL3):c.1379T>A (p.Met460Lys)

Gene: DLL3 (delta like canonical Notch ligand 3; plus strand). Cytogenetic location: 19q13.2.
Variant type: single nucleotide variant.
Coding change: c.1379T>A on transcript NM_203486.3 (MANE Select); coding-DNA position 1379, T replaced by A.
Protein change: p.Met460Lys; replaces methionine 460 with lysine.
Molecular consequence: missense variant.
Genome position (GRCh38, 1-based): chr19:39,507,324, T>A. VCF-style: chr19-39507324-T-A. GRCh37 (hg19) VCF-style: chr19-39997964-T-A.
Other names: c.1379T>A, p.Met460Lys (NM_016941.4); short protein forms M460K.
Identifiers: ClinVar variation 3250939 (VCV003250939.18), dbSNP rs754886562.

ClinVar aggregate classification (germline): Likely pathogenic (1 of 4 stars; one submission).

Submission:

CeGaT Center for Human Genetics Tuebingen
Classification: Likely pathogenic. Last evaluated: 2025-02-01. Review status: criteria provided, single submitter. Criteria: CeGaT Center For Human Genetics Tuebingen Variant Classification Criteria Version 2. Collection method: clinical testing. Allele origin: germline. Affected: yes. Observed: 3 variant alleles.
Comment: DLL3: PM2, PM3, PP3, PP4